The following is an entry in ClinVar:

ClinVar aggregate classification (germline): Uncertain significance (1 of 4 stars; one submission).

Conditions:
Growth hormone insensitivity with immune dysregulation 1, autosomal recessive. Also called: Laron syndrome with immunodeficiency; GROWTH HORMONE INSENSITIVITY SYNDROME WITH IMMUNE DYSREGULATION 1, AUTOSOMAL RECESSIVE; GROWTH HORMONE INSENSITIVITY DUE TO POSTRECEPTOR DEFECT; LARON SYNDROME DUE TO POSTRECEPTOR DEFECT. Identifiers: Orphanet 220465, MedGen C5435698, MONDO:0100211, OMIM 245590.

Allele frequency attached by ClinVar (database versions not stated): gnomAD exomes below 0.00001.
gnomAD v4.1: 1 of 1,613,974 alleles (0.000062%); highest among the groups gnomAD compares: Non-Finnish European, 0.000085%; no homozygotes.

Submission:

Labcorp Genetics (formerly Invitae), Labcorp
Classification: Uncertain significance for Growth hormone insensitivity with immune dysregulation 1, autosomal recessive. Last evaluated: 2023-05-09. Review status: criteria provided, single submitter. Criteria: Invitae Variant Classification Sherloc (09022015). Collection method: clinical testing. Allele origin: germline.
Comment: In summary, the available evidence is currently insufficient to determine the role of this variant in disease. Therefore, it has been classified as a Variant of Uncertain Significance. Advanced modeling of protein sequence and biophysical properties (such as structural, functional, and spatial information, amino acid conservation, physicochemical variation, residue mobility, and thermodynamic stability) performed at Invitae indicates that this missense variant is not expected to disrupt STAT5B protein function. This variant has not been reported in the literature in individuals affected with STAT5B-related conditions. This variant is not present in population databases (gnomAD no frequency). This sequence change replaces histidine, which is basic and polar, with glutamine, which is neutral and polar, at codon 16 of the STAT5B protein (p.His16Gln).

NM_012448.4(STAT5B):c.48T>G (p.His16Gln)

Gene: STAT5B (signal transducer and activator of transcription 5B; minus strand). Cytogenetic location: 17q21.2.
Variant type: single nucleotide variant.
Coding change: c.48T>G on transcript NM_012448.4 (MANE Select); coding-DNA position 48, T replaced by G.
Protein change: p.His16Gln; replaces histidine 16 with glutamine.
Molecular consequence: missense variant.
Genome position (GRCh38, 1-based): chr17:42,232,080, A>C on the plus strand (T>G on the coding strand, the complement: STAT5B is on the minus strand). VCF-style: chr17-42232080-A-C. GRCh37 (hg19) VCF-style: chr17-40384098-A-C.
Other names: short protein forms H16Q.
Identifiers: ClinVar variation 2862904 (VCV002862904.3), dbSNP rs1164527069, ClinGen allele CA399594046.